The following is an entry in ClinVar:

ClinVar aggregate classification (germline): Uncertain significance (1 of 4 stars; one submission).

gnomAD v4.1: 42 of 1,334,900 alleles (0.0031%); highest among the groups gnomAD compares: Non-Finnish European, 0.004%; no homozygotes.

Submission:

Labcorp Genetics (formerly Invitae), Labcorp
Classification: Uncertain significance. Last evaluated: 2025-10-01. Review status: criteria provided, single submitter. Criteria: Invitae Variant Classification Sherloc (09022015). Collection method: clinical testing. Allele origin: germline.
Comment: This sequence change replaces valine, which is neutral and non-polar, with aspartic acid, which is acidic and polar, at codon 5 of the TRPC3 protein (p.Val5Asp). This variant is not present in population databases (gnomAD no frequency). This variant has not been reported in the literature in individuals affected with TRPC3-related conditions. An algorithm developed to predict the effect of missense changes on protein structure and function (PolyPhen-2) suggests that this variant is likely to be tolerated. In summary, the available evidence is currently insufficient to determine the role of this variant in disease. Therefore, it has been classified as a Variant of Uncertain Significance.

NM_001130698.2(TRPC3):c.14T>A (p.Val5Asp)

Genes: TRPC3 (transient receptor potential cation channel subfamily C member 3; minus strand), LOC129993038 (ATAC-STARR-seq lymphoblastoid silent region 15662; plus strand). Cytogenetic location: 4q27.
Variant type: single nucleotide variant.
Coding change: c.14T>A on transcript NM_001130698.2 (MANE Select); coding-DNA position 14, T replaced by A.
Protein change: p.Val5Asp; replaces valine 5 with aspartic acid.
Molecular consequence: missense variant.
Genome position (GRCh38, 1-based): chr4:121,951,667, A>T on the plus strand (T>A on the coding strand, the complement: TRPC3 is on the minus strand). VCF-style: chr4-121951667-A-T. GRCh37 (hg19) VCF-style: chr4-122872822-A-T.
Other names: c.14T>A, p.Val5Asp (NM_001366479.2); short protein forms V5D.
Identifiers: ClinVar variation 4691702 (VCV004691702.1).